The following is an entry in ClinVar:

ClinVar aggregate classification (germline): Uncertain significance (1 of 4 stars; one submission).

Conditions:
RYR1-related disorder. Also called: RYR1-related condition; RYR1-related disorders. Identifiers: MedGen CN239331.

Submission:

Labcorp Genetics (formerly Invitae), Labcorp
Classification: Uncertain significance for RYR1-related disorder. Last evaluated: 2022-05-12. Review status: criteria provided, single submitter. Criteria: Invitae Variant Classification Sherloc (09022015). Collection method: clinical testing. Allele origin: germline.
Comment: In summary, the available evidence is currently insufficient to determine the role of this variant in disease. Therefore, it has been classified as a Variant of Uncertain Significance. Algorithms developed to predict the effect of sequence changes on RNA splicing suggest that this variant may create or strengthen a splice site. Advanced modeling of protein sequence and biophysical properties (such as structural, functional, and spatial information, amino acid conservation, physicochemical variation, residue mobility, and thermodynamic stability) performed at Invitae indicates that this missense variant is not expected to disrupt RYR1 protein function. This variant has not been reported in the literature in individuals affected with RYR1-related conditions. This variant is not present in population databases (gnomAD no frequency). This sequence change replaces alanine, which is neutral and non-polar, with serine, which is neutral and polar, at codon 2484 of the RYR1 protein (p.Ala2484Ser).

NM_000540.3(RYR1):c.7450G>T (p.Ala2484Ser)

Gene: RYR1 (ryanodine receptor 1; plus strand). Cytogenetic location: 19q13.2.
Variant type: single nucleotide variant.
Coding change: c.7450G>T on transcript NM_000540.3 (MANE Select); coding-DNA position 7450, G replaced by T.
Protein change: p.Ala2484Ser; replaces alanine 2484 with serine.
Molecular consequence: missense variant.
Genome position (GRCh38, 1-based): chr19:38,500,826, G>T. VCF-style: chr19-38500826-G-T. GRCh37 (hg19) VCF-style: chr19-38991466-G-T.
Other names: c.7450G>T, p.Ala2484Ser (NM_001042723.2); short protein forms A2484S.
Identifiers: ClinVar variation 1993649 (VCV001993649.4), dbSNP rs1970080266, ClinGen allele CA405670233.